The following is an entry in ClinVar:

ClinVar aggregate classification (germline): Uncertain significance. Review status: criteria provided, multiple submitters, no conflicts (2 of 4 stars). 2 submissions from 2 submitters: Uncertain significance (2). Last evaluated 2026-01-05.

Conditions:
Tuberous sclerosis 2 (TSC2). Identifiers: Orphanet 805, MedGen C1860707, MONDO:0013199, OMIM 613254.
Hereditary cancer-predisposing syndrome. Also called: Neoplastic Syndromes, Hereditary; Tumor predisposition; Hereditary neoplastic syndrome; Hereditary Cancer Syndrome. Identifiers: Orphanet 140162, MedGen C0027672, MeSH D009386, MONDO:0015356.

Submissions (2):

Ambry Genetics
Classification: Uncertain significance for Hereditary cancer-predisposing syndrome. Last evaluated: 2026-01-05. Review status: criteria provided, single submitter. Criteria: Ambry Variant Classification Scheme 2023. Collection method: clinical testing. Allele origin: germline.
Comment: The c.5197_5202delACCGATinsGAC variant, located in coding exon 40 of the TSC2 gene, results from an in-frame deletion of ACCGAT and insertion of GAC at nucleotide positions 5197 to 5202. This results in the deletion of a threonine residue at codon 1733. This amino acid position is highly conserved in available vertebrate species. In addition, the in silico prediction for this variant is inconclusive (Choi Y et al. PLoS ONE. 2012; 7(10):e46688). Based on the available evidence, the clinical significance of this variant remains unclear.

Labcorp Genetics (formerly Invitae), Labcorp
Classification: Uncertain significance for Tuberous sclerosis 2. Last evaluated: 2019-11-09. Review status: criteria provided, single submitter. Criteria: Invitae Variant Classification Sherloc (09022015). Collection method: clinical testing. Allele origin: germline.
Comment: This variant is not present in population databases (ExAC no frequency). This variant has not been reported in the literature in individuals with TSC2-related disease. Experimental studies and prediction algorithms are not available for this variant, and the functional significance of the deleted amino acid is currently unknown. In summary, the available evidence is currently insufficient to determine the role of this variant in disease. Therefore, it has been classified as a Variant of Uncertain Significance. This variant, c.5197_5199delACC, results in the deletion of 1 amino acid of the TSC2 protein (p.Thr1733del), but otherwise preserves the integrity of the reading frame.

NM_000548.5(TSC2):c.5197_5202delinsGAC (p.Thr1733del)

Gene: TSC2 (TSC complex subunit 2; plus strand). Cytogenetic location: 16p13.3.
Variant type: Indel.
Coding change: c.5197_5202delinsGAC on transcript NM_000548.5 (MANE Select); coding-DNA positions 5197 to 5202, ACCGAT replaced by GAC.
Protein change: p.Thr1733del; deletes threonine 1733.
Molecular consequence: inframe deletion.
Genome position (GRCh38, 1-based): chr16:2,088,263-2,088,268, ACCGAT replaced by GAC. VCF-style: chr16-2088263-ACCGAT-GAC. GRCh37 (hg19) VCF-style: chr16-2138264-ACCGAT-GAC.
Other names: c.5197_5202delACCGATinsGAC (NM_000548.3); c.4996_5001delinsGAC, p.Thr1666del (NM_001077183.3); c.5128_5133delinsGAC, p.Thr1710del (NM_001114382.3); c.4888_4893delinsGAC, p.Thr1630del (NM_001318827.2); c.4852_4857delinsGAC, p.Thr1618del (NM_001318829.2); c.4465_4470delinsGAC, p.Thr1489del (NM_001318831.2); c.5029_5034delinsGAC, p.Thr1677del (NM_001318832.2); c.4999_5004delinsGAC, p.Thr1667del (NM_001363528.2); and 3 more; short protein forms T1618del, T1686del, T1690del, T1733del, T1689del, T1630del, T1677del, T1710del.
Identifiers: ClinVar variation 405952 (VCV000405952.5), dbSNP rs1064792922, ClinGen allele CA16615195.